The following is an entry in ClinVar:

ClinVar aggregate classification (germline): Pathogenic (1 of 4 stars; one submission).

Conditions:
Tyrosinase-positive oculocutaneous albinism (OCA2). Also called: ALBINISM II; Oculocutaneous albinism type 2; Albinism, oculocutaneous, type II. Identifiers: Orphanet 79432, MedGen C0268495, MONDO:0008746, OMIM 203200.

Submission:

Myriad Genetics, Inc.
Classification: Pathogenic for Tyrosinase-positive oculocutaneous albinism. Last evaluated: 2025-11-18. Review status: criteria provided, single submitter. Criteria: Myriad Autosomal Dominant, Autosomal Recessive and X-Linked Classification Criteria (2023). Collection method: clinical testing. Allele origin: unknown.
Comment: NM_000275.2(OCA2):c.1696delC(R566Afs*62) is expected to be pathogenic in the context of oculocutaneous albinism, OCA2-related. This variant is predicted to lead to an abnormal or absent protein product due to the creation of a premature termination codon in OCA2, a gene where loss-of-function variants are known to be pathogenic. Please note: this variant was assessed in the context of healthy population screening.

NM_000275.3(OCA2):c.1696del (p.Arg566fs)

Gene: OCA2 (OCA2 melanosomal transmembrane protein; minus strand). Cytogenetic location: 15q13.1.
Variant type: Deletion.
Coding change: c.1696del on transcript NM_000275.3 (MANE Select); coding-DNA position 1696, one base deleted (C; older notation c.1696delC).
Protein change: p.Arg566fs; shifts the reading frame from arginine 566.
Molecular consequence: frameshift variant.
Genome position (GRCh38, 1-based): chr15:27,957,676, G deleted on the plus strand (C on the coding strand, the reverse complement: OCA2 is on the minus strand); the first of 2 consecutive G bases (chr15:27,957,676-27,957,677); deleting either gives the same sequence. VCF-style (leftmost placement, unchanged base first): chr15-27957675-CG-C. GRCh37 (hg19) VCF-style: chr15-28202821-CG-C.
Other names: c.1624del, p.Arg542fs (NM_001300984.2); short protein forms R542fs, R566fs.
Identifiers: ClinVar variation 5015233 (VCV005015233.1).